The following is an entry in ClinVar:

ClinVar aggregate classification (germline): Pathogenic (1 of 4 stars; one submission).

Conditions:
Long QT syndrome (LQTS). Identifiers: MedGen C0023976, MeSH D008133, MONDO:0002442. Disease mechanism: loss of function. Inheritance: Various modes of inheritance.

Submission:

Labcorp Genetics (formerly Invitae), Labcorp
Classification: Pathogenic for Long QT syndrome. Last evaluated: 2019-08-20. Review status: criteria provided, single submitter. Criteria: Invitae Variant Classification Sherloc (09022015). Collection method: clinical testing. Allele origin: germline.
Comment: For these reasons, this variant has been classified as Pathogenic. Loss-of-function variants in KCNH2 are known to be pathogenic (PMID: 10973849, 19862833). This variant has not been reported in the literature in individuals with KCNH2-related conditions. This variant is not present in population databases (ExAC no frequency). This sequence change creates a premature translational stop signal (p.Ile400Serfs*34) in the KCNH2 gene. It is expected to result in an absent or disrupted protein product.

Literature cited by the submitters: PubMed 10973849; PubMed 19862833.

NM_000238.4(KCNH2):c.1197del (p.Ile400fs)

Gene: KCNH2 (potassium voltage-gated channel subfamily H member 2; minus strand). Cytogenetic location: 7q36.1.
Variant type: Deletion.
Coding change: c.1197del on transcript NM_000238.4 (MANE Select); coding-DNA position 1197, one base deleted (C; older notation c.1197delC).
Protein change: p.Ile400fs; shifts the reading frame from isoleucine 400.
Molecular consequence: frameshift variant.
Genome position (GRCh38, 1-based): chr7:150,952,785, G deleted on the plus strand (C on the coding strand, the reverse complement: KCNH2 is on the minus strand); the first of 2 consecutive G bases (chr7:150,952,785-150,952,786); deleting either gives the same sequence. VCF-style (leftmost placement, unchanged base first): chr7-150952784-TG-T. GRCh37 (hg19) VCF-style: chr7-150649872-TG-T.
Other names: c.1196delC, p.Ile400Serfs (NM_000238.3, NM_172056.3); c.177del, p.Ile60fs (NM_001204798.2, NM_172057.3); c.908delC, p.Ile304Serfs (NM_001406753.1, NM_001406756.1); c.1019delC, p.Ile341Serfs (NM_001406755.1); c.896delC, p.Ile300Serfs (NM_001406757.1); short protein forms I400fs, I60fs.
Identifiers: ClinVar variation 939419 (VCV000939419.9), dbSNP rs1801232040, ClinGen allele CA1139660312.